The following is an entry in ClinVar:

ClinVar aggregate classification (germline): Likely pathogenic (1 of 4 stars; one submission).

Conditions:
Dilated cardiomyopathy 1G (CMD1G). Identifiers: Orphanet 154, MedGen C1858763, MONDO:0011400, OMIM 604145.
Autosomal recessive limb-girdle muscular dystrophy type 2J (LGMDR10). Also called: Limb-girdle muscular dystrophy, type 2J; MUSCULAR DYSTROPHY, LIMB-GIRDLE, AUTOSOMAL RECESSIVE 10. Identifiers: Orphanet 140922, MedGen C1837342, MONDO:0012127, OMIM 608807.

Submission:

Labcorp Genetics (formerly Invitae), Labcorp
Classification: Likely pathogenic for Dilated cardiomyopathy 1G; Autosomal recessive limb-girdle muscular dystrophy type 2J. Last evaluated: 2023-04-28. Review status: criteria provided, single submitter. Criteria: Invitae Variant Classification Sherloc (09022015). Collection method: clinical testing. Allele origin: germline.
Comment: This variant is located in the A band of TTN (PMID: 25589632). Truncating variants in this region are significantly overrepresented in patients affected with dilated cardiomyopathy (PMID: 25589632). Truncating variants in this region have also been reported in individuals affected with autosomal recessive centronuclear myopathy (PMID: 23975875). In summary, the currently available evidence indicates that the variant is pathogenic, but additional data are needed to prove that conclusively. Therefore, this variant has been classified as Likely Pathogenic. Algorithms developed to predict the effect of sequence changes on RNA splicing suggest that this variant may disrupt the consensus splice site. This variant has not been reported in the literature in individuals affected with TTN-related conditions. This variant is not present in population databases (gnomAD no frequency). This sequence change affects an acceptor splice site in intron 320 of the TTN gene. It is expected to disrupt RNA splicing and likely results in a truncated or disrupted TTN protein.

Literature cited by the submitters: PubMed 25589632; PubMed 23975875.

NM_001267550.2(TTN):c.68225-1G>A

Genes: TTN-AS1 (TTN antisense RNA 1; plus strand), TTN (titin; minus strand), LOC126806423 (CDK7 strongly-dependent group 2 enhancer GRCh37_chr2:179443309-179444508; plus strand). Cytogenetic location: 2q31.2.
Variant type: single nucleotide variant.
Coding change: c.68225-1G>A on transcript NM_001267550.2 (MANE Select); the canonical splice acceptor site of the intron before coding-DNA position 68225, G replaced by A.
Molecular consequence: splice acceptor variant.
Genome position (GRCh38, 1-based): chr2:178,578,716, C>T on the plus strand (G>A on the coding strand, the complement: TTN is on the minus strand). VCF-style: chr2-178578716-C-T. GRCh37 (hg19) VCF-style: chr2-179443443-C-T.
Other names: c.41030-1G>A (NM_003319.4); c.41606-1G>A (NM_133437.4); c.41405-1G>A (NM_133432.3); c.60521-1G>A (NM_133378.4); c.63302-1G>A (NM_001256850.1).
Identifiers: ClinVar variation 2947230 (VCV002947230.3), dbSNP rs1575854773, ClinGen allele CA349673338.